The following is an entry in ClinVar:

NM_001348716.2(KDM6B):c.3441-5C>T

Gene: KDM6B (lysine demethylase 6B; plus strand). Cytogenetic location: 17p13.1.
Variant type: single nucleotide variant.
Coding change: c.3441-5C>T on transcript NM_001348716.2 (MANE Select); 5 bases into the intron before coding-DNA position 3441, C replaced by T.
Molecular consequence: intron variant.
Genome position (GRCh38, 1-based): chr17:7,849,816, C>T. VCF-style: chr17-7849816-C-T. GRCh37 (hg19) VCF-style: chr17-7753134-C-T.
Other names: c.3441-5C>T (NM_001080424.2).
Identifiers: ClinVar variation 2229344 (VCV002229344.4), dbSNP rs747953827, ClinGen allele CA8361170.

ClinVar aggregate classification (germline): Uncertain significance. Review status: criteria provided, single submitter (1 of 4 stars). 2 submissions from 2 submitters: Uncertain significance (1). 1 of the submissions does not count toward it. Last evaluated 2021-03-02.

Conditions:
KDM6B-related disorder. Also called: KDM6B-related condition.
Inborn genetic diseases. Identifiers: MedGen C0950123, MeSH D030342.

Allele frequency attached by ClinVar (database versions not stated): ExAC 0.00002; gnomAD exomes 0.00002; gnomAD 0.00003; TOPMed 0.00004.
gnomAD v4.1: 33 of 1,612,888 alleles (0.002%); highest among the groups gnomAD compares: Admixed American, 0.013%; no homozygotes.

Submissions (2):

Ambry Genetics
Classification: Uncertain significance for Inborn genetic diseases. Last evaluated: 2021-03-02. Review status: criteria provided, single submitter. Criteria: Ambry Variant Classification Scheme 2023. Collection method: clinical testing. Allele origin: germline.
Comment: The c.3441-5C>T intronic alteration consists of a C to T substitution 5 nucleotides before exon 12 (coding exon 9) of the KDM6B gene. In silico splice site analysis predicts that this alteration will not have any significant effect on splicing. Based on insufficient or conflicting evidence, the clinical significance of this alteration remains unclear.

PreventionGenetics, part of Exact Sciences
Classification: Likely benign for KDM6B-related condition. Last evaluated: 2019-06-26. Review status: no assertion criteria provided. Collection method: clinical testing. Allele origin: germline. Not counted in ClinVar's aggregate classification.
Comment: This variant is classified as likely benign based on ACMG/AMP sequence variant interpretation guidelines (Richards et al. 2015 PMID: 25741868, with internal and published modifications).